The following is an entry in ClinVar:

NM_000038.6(APC):c.4829G>C (p.Ser1610Thr)

Gene: APC (APC regulator of Wnt signaling pathway; plus strand). Cytogenetic location: 5q22.2.
Variant type: single nucleotide variant.
Coding change: c.4829G>C on transcript NM_000038.6 (MANE Select); coding-DNA position 4829, G replaced by C.
Protein change: p.Ser1610Thr; replaces serine 1610 with threonine.
Molecular consequence: missense variant. On other transcripts: non-coding transcript variant (2).
Genome position (GRCh38, 1-based): chr5:112,840,423, G>C. VCF-style: chr5-112840423-G-C. GRCh37 (hg19) VCF-style: chr5-112176120-G-C.
Other names: c.4829G>C, p.Ser1610Thr (NM_001127510.3, NM_001354895.2, NM_001407450.1); c.4775G>C, p.Ser1592Thr (NM_001127511.3); c.4883G>C, p.Ser1628Thr (NM_001354896.2, NM_001407447.1, NM_001407448.1 and 1 more transcripts); c.4859G>C, p.Ser1620Thr (NM_001354897.2); c.4754G>C, p.Ser1585Thr (NM_001354898.2); c.4745G>C, p.Ser1582Thr (NM_001354899.2); c.4706G>C, p.Ser1569Thr (NM_001354900.2); c.4652G>C, p.Ser1551Thr (NM_001354901.2, NM_001407453.1); and 11 more; short protein forms S1226T, S1509T, S1527T, S1484T, S1592T, S1327T, S1582T, S1585T.
Identifiers: ClinVar variation 3635475 (VCV003635475.2).

ClinVar aggregate classification (germline): Uncertain significance (1 of 4 stars; one submission).

Conditions:
Familial adenomatous polyposis 1 (FAP1). Also called: FAMILIAL ADENOMATOUS POLYPOSIS 1, ATTENUATED; POLYPOSIS, ADENOMATOUS INTESTINAL. Identifiers: MedGen C2713442, MONDO:0021056, OMIM 175100. Disease mechanism: loss of function.

Submission:

Labcorp Genetics (formerly Invitae), Labcorp
Classification: Uncertain significance for Familial adenomatous polyposis 1. Last evaluated: 2024-08-07. Review status: criteria provided, single submitter. Criteria: Invitae Variant Classification Sherloc (09022015). Collection method: clinical testing. Allele origin: germline.
Comment: This sequence change replaces serine, which is neutral and polar, with threonine, which is neutral and polar, at codon 1610 of the APC protein (p.Ser1610Thr). This variant is not present in population databases (gnomAD no frequency). This variant has not been reported in the literature in individuals affected with APC-related conditions. Advanced modeling of protein sequence and biophysical properties (such as structural, functional, and spatial information, amino acid conservation, physicochemical variation, residue mobility, and thermodynamic stability) performed at Invitae indicates that this missense variant is not expected to disrupt APC protein function with a negative predictive value of 95%. In summary, the available evidence is currently insufficient to determine the role of this variant in disease. Therefore, it has been classified as a Variant of Uncertain Significance.